The following is an entry in ClinVar:

NM_000186.4(CFH):c.672G>T (p.Lys224Asn)

Gene: CFH (complement factor H; plus strand). Cytogenetic location: 1q31.3.
Variant type: single nucleotide variant.
Coding change: c.672G>T on transcript NM_000186.4 (MANE Select); coding-DNA position 672, G replaced by T.
Protein change: p.Lys224Asn; replaces lysine 224 with asparagine.
Molecular consequence: missense variant.
Genome position (GRCh38, 1-based): chr1:196,679,675, G>T. VCF-style: chr1-196679675-G-T. GRCh37 (hg19) VCF-style: chr1-196648805-G-T.
Other names: c.672G>T, p.Lys224Asn (NM_001014975.3); short protein forms K224N.
Identifiers: ClinVar variation 1333410 (VCV001333410.2), dbSNP rs1408473510, ClinGen allele CA343977768.

ClinVar aggregate classification (germline): Conflicting classifications of pathogenicity. Review status: criteria provided, conflicting classifications (1 of 4 stars). 2 submissions from 2 submitters: Likely pathogenic (1); Uncertain significance (1). Last evaluated 2024-03-26.

Conditions:
Factor H deficiency (CFHD). Also called: CFH DEFICIENCY; COMPLEMENT FACTOR H DEFICIENCY. Identifiers: Orphanet 200421, MedGen C0398777, MONDO:0012350, OMIM 609814.
Hemolytic uremic syndrome, atypical, susceptibility to, 1. Also called: AHUS, SUSCEPTIBILITY TO, 1. Identifiers: Orphanet 2134, Orphanet 90038, MedGen C2749604, MONDO:0009335, OMIM 235400. Disease mechanism: Other.

Submissions (2):

Genomic Medicine Center of Excellence, King Faisal Specialist Hospital and Research Centre
Classification: Likely pathogenic for Factor H deficiency. Last evaluated: 2024-03-26. Review status: criteria provided, single submitter. Criteria: ACMG Guidelines, 2015. Collection method: clinical testing. Allele origin: germline.

3billion
Classification: Uncertain significance for Hemolytic uremic syndrome, atypical, susceptibility to, 1. Last evaluated: 2022-01-03. Review status: criteria provided, single submitter. Criteria: ACMG Guidelines, 2015. Collection method: clinical testing. Allele origin: germline. Affected: yes. Observed: 1 heterozygote.
Comment: The variant not observed in the gnomAD v2.1.1 dataset (PM2_M). Therefore, this variant is classified as uncertain significance according to the recommendation of ACMG/AMP guideline.